The following is an entry in ClinVar:

ClinVar aggregate classification (germline): Conflicting classifications of pathogenicity. Review status: criteria provided, conflicting classifications (1 of 4 stars). 3 submissions from 3 submitters: Likely pathogenic (1); Uncertain significance (2). Last evaluated 2025-11-17.

Conditions:
Dyskeratosis congenita. Identifiers: Orphanet 1775, MedGen C0265965, MONDO:0015780.
Dyskeratosis congenita, autosomal dominant 2. Identifiers: MedGen C3151443, MONDO:0013521, OMIM 613989.
Idiopathic Pulmonary Fibrosis. Also called: Idiopathic fibrosing alveolitis, chronic form; idiopathic fibrosing alveolitis. Identifiers: Orphanet 2032, MedGen C1800706, MeSH D054990, MONDO:0800504.

Allele frequency attached by ClinVar (database versions not stated): gnomAD exomes below 0.00001 and 0.00001.
gnomAD v4.1: 4 of 1,614,138 alleles (0.00025%); highest among the groups gnomAD compares: East Asian, 0.0022%; no homozygotes.

Submissions (3):

Labcorp Genetics (formerly Invitae), Labcorp
Classification: Uncertain significance for Dyskeratosis congenita, autosomal dominant 2; Idiopathic Pulmonary Fibrosis. Last evaluated: 2025-11-17. Review status: criteria provided, single submitter. Criteria: Invitae Variant Classification Sherloc (09022015). Collection method: clinical testing. Allele origin: germline.
Comment: This sequence change replaces arginine, which is basic and polar, with tryptophan, which is neutral and slightly polar, at codon 577 of the TERT protein (p.Arg577Trp). This variant is present in population databases (no rsID available, gnomAD 0.004%). This variant has not been reported in the literature in individuals affected with TERT-related conditions. ClinVar contains an entry for this variant (Variation ID: 861105). Invitae Evidence Modeling of protein sequence and biophysical properties (such as structural, functional, and spatial information, amino acid conservation, physicochemical variation, residue mobility, and thermodynamic stability) indicates that this missense variant is expected to disrupt TERT protein function with a positive predictive value of 95%. In summary, the available evidence is currently insufficient to determine the role of this variant in disease. Therefore, it has been classified as a Variant of Uncertain Significance.

Ambry Genetics
Classification: Uncertain significance for Dyskeratosis congenita. Last evaluated: 2025-09-05. Review status: criteria provided, single submitter. Criteria: Ambry Variant Classification Scheme 2023. Collection method: clinical testing. Allele origin: germline.
Comment: The p.R577W variant (also known as c.1729C>T), located in coding exon 3 of the TERT gene, results from a C to T substitution at nucleotide position 1729. The arginine at codon 577 is replaced by tryptophan, an amino acid with dissimilar properties. This variant was reported in individual(s) with features consistent with TERT-related disorder (van der Vis JJ et al. Respirology, 2021 Dec;26:1160-1170). This amino acid position is highly conserved in available vertebrate species. In addition, this alteration is predicted to be deleterious by in silico analysis. Based on the available evidence, the clinical significance of this variant remains unclear.

GeneDx
Classification: Likely pathogenic. Last evaluated: 2024-09-21. Review status: criteria provided, single submitter. Criteria: GeneDx Variant Classification Process June 2021. Collection method: clinical testing. Allele origin: germline. Affected: yes.
Comment: Not observed at significant frequency in large population cohorts (gnomAD); In silico analysis supports that this missense variant has a deleterious effect on protein structure/function; This variant is associated with the following publications: (PMID: 34580961)

Literature cited by the submitters: PubMed 34580961 (cited by Ambry Genetics).

NM_198253.3(TERT):c.1729C>T (p.Arg577Trp)

Gene: TERT (telomerase reverse transcriptase; minus strand). Cytogenetic location: 5p15.33.
Variant type: single nucleotide variant.
Coding change: c.1729C>T on transcript NM_198253.3 (MANE Select); coding-DNA position 1729, C replaced by T.
Protein change: p.Arg577Trp; replaces arginine 577 with tryptophan.
Molecular consequence: missense variant. On other transcripts: non-coding transcript variant (2).
Genome position (GRCh38, 1-based): chr5:1,282,469, G>A on the plus strand (C>T on the coding strand, the complement: TERT is on the minus strand). VCF-style: chr5-1282469-G-A. GRCh37 (hg19) VCF-style: chr5-1282584-G-A.
Other names: c.1729C>T, p.Arg577Trp (NM_001193376.3); short protein forms R577W.
Identifiers: ClinVar variation 861105 (VCV000861105.11), dbSNP rs1207489144, ClinGen allele CA359082912.